The following is an entry in ClinVar:

ClinVar aggregate classification (germline): Pathogenic/Likely pathogenic. Review status: criteria provided, multiple submitters, no conflicts (2 of 4 stars). 8 submissions from 8 submitters: Pathogenic (6); Likely pathogenic (2). Last evaluated 2026-06-24.

Conditions:
Tyrosinase-positive oculocutaneous albinism (OCA2). Also called: Oculocutaneous albinism type 2; ALBINISM II; Albinism, oculocutaneous, type II. Identifiers: Orphanet 79432, MedGen C0268495, MONDO:0008746, OMIM 203200.
SKIN/HAIR/EYE PIGMENTATION 1, BLUE/NONBLUE EYES (SHEP1). Also called: BROWN EYE COLOR 2; EYE COLOR 3; EYE COLOR, BLUE/NONBLUE; EYE COLOR, BROWN/BLUE; HAIR COLOR 3; SKIN/HAIR/EYE PIGMENTATION 1, BLOND/BROWN HAIR. Identifiers: MedGen C1856895, OMIM 227220.
OCA2-related disorder. Also called: OCA2-related condition.

Allele frequency attached by ClinVar (database versions not stated): ExAC 0.00001; gnomAD exomes 0.00001 and 0.00002; gnomAD 0.00003; TOPMed 0.00004.

Submissions (8):

PreventionGenetics, part of Exact Sciences
Classification: Pathogenic for OCA2-related condition. Last evaluated: 2026-06-24. Review status: criteria provided, single submitter. Criteria: ACMG Guidelines, 2015. Collection method: clinical testing. Allele origin: germline.
Comment: The OCA2 c.157delA variant is predicted to result in a frameshift and premature protein termination (p.Arg53Glyfs*49). This variant has been reported in the compound heterozygous state in individuals with oculocutaneous albinism (Mauri et al. 2016. PubMed ID: 27734839; Table S1, Wei et al. 2022. PubMed ID: 34838614). This variant is present in 0.0027% of alleles in individuals of European (Non-Finnish) descent in gnomAD. Frameshift variants in OCA2 are an established mechanism of disease. Given the evidence, we interpret this variant as pathogenic.

Labcorp Genetics (formerly Invitae), Labcorp
Classification: Pathogenic. Last evaluated: 2026-01-19. Review status: criteria provided, single submitter. Criteria: Invitae Variant Classification Sherloc (09022015). Collection method: clinical testing. Allele origin: germline.
Comment: This sequence change creates a premature translational stop signal (p.Arg53Glyfs*49) in the OCA2 gene. It is expected to result in an absent or disrupted protein product. Loss-of-function variants in OCA2 are known to be pathogenic (PMID: 19865097, 21541274). This variant is present in population databases (rs758894409, gnomAD 0.004%). This premature translational stop signal has been observed in individual(s) with albinism (PMID: 27734839). ClinVar contains an entry for this variant (Variation ID: 1070405). For these reasons, this variant has been classified as Pathogenic.

Fulgent Genetics
Classification: Pathogenic for Tyrosinase-positive oculocutaneous albinism; SKIN/HAIR/EYE PIGMENTATION 1, BLUE/NONBLUE EYES. Last evaluated: 2024-05-15. Review status: criteria provided, single submitter. Criteria: ACMG Guidelines, 2015. Collection method: clinical testing. Allele origin: germline.

Baylor Genetics
Classification: Pathogenic for SKIN/HAIR/EYE PIGMENTATION 1, BLUE/NONBLUE EYES. Last evaluated: 2023-12-04. Review status: criteria provided, single submitter. Criteria: ACMG Guidelines, 2015. Collection method: clinical testing. Allele origin: unknown.

MGZ Medical Genetics Center
Classification: Likely pathogenic for Tyrosinase-positive oculocutaneous albinism. Last evaluated: 2022-07-12. Review status: criteria provided, single submitter. Criteria: ACMG Guidelines, 2015. Collection method: clinical testing. Allele origin: germline. Affected: yes. Observed: 1 variant allele.
Comment: ACMG criteria applied: PVS1, PM2_SUP

Genome-Nilou Lab
Classification: Pathogenic for Tyrosinase-positive oculocutaneous albinism. Last evaluated: 2021-11-07. Review status: criteria provided, single submitter. Criteria: ACMG Guidelines, 2015. Collection method: clinical testing. Allele origin: germline. Affected: no.

GeneDx
Classification: Pathogenic. Last evaluated: 2021-02-19. Review status: criteria provided, single submitter. Criteria: GeneDx Variant Classification Process June 2021. Collection method: clinical testing. Allele origin: germline. Affected: yes.
Comment: Identified in the heterozygous state in several individuals with oculocutaneous albinism, but a second OCA2 variant was not identified in these individuals (Gronskov et al., 2009; Urtatiz et al., 2014; Gao et al., 2017); Frameshift variant predicted to result in protein truncation or nonsense mediated decay in a gene for which loss-of-function is a known mechanism of disease; Not observed at a significant frequency in large population cohorts (Lek et al., 2016); This variant is associated with the following publications: (PMID: 25455140, 19060277, 28451379)

Blueprint Genetics
Classification: Likely pathogenic for OCA2-related disorders. Last evaluated: 2020-05-29. Review status: criteria provided, single submitter. Criteria: ACMG Guidelines, 2015. Collection method: clinical testing. Allele origin: germline. Affected: yes. Observed: 4 variant alleles.

Literature cited by the submitters: PubMed 19865097 (cited by Labcorp Genetics (formerly Invitae), Labcorp); PubMed 21541274 (cited by Labcorp Genetics (formerly Invitae), Labcorp); PubMed 27734839 (cited by Labcorp Genetics (formerly Invitae), Labcorp).

NM_000275.3(OCA2):c.157del (p.Arg53fs)

Gene: OCA2 (OCA2 melanosomal transmembrane protein; minus strand). Cytogenetic location: 15q13.1.
Variant type: Deletion.
Coding change: c.157del on transcript NM_000275.3 (MANE Select); coding-DNA position 157, one base deleted (A; older notation c.157delA).
Protein change: p.Arg53fs; shifts the reading frame from arginine 53.
Molecular consequence: frameshift variant.
Genome position (GRCh38, 1-based): chr15:28,081,718, T deleted on the plus strand (A on the coding strand, the reverse complement: OCA2 is on the minus strand). VCF-style (leftmost placement, unchanged base first): chr15-28081717-CT-C. GRCh37 (hg19) VCF-style: chr15-28326863-CT-C.
Other names: c.157del, p.Arg53fs (NM_001300984.2); short protein forms R53fs.
Identifiers: ClinVar variation 1070405 (VCV001070405.20), dbSNP rs758894409, ClinGen allele CA7439564.